The following is an entry in ClinVar:

ClinVar aggregate classification (germline): Uncertain significance. Review status: criteria provided, multiple submitters, no conflicts (2 of 4 stars). 4 submissions from 4 submitters: Uncertain significance (4). Last evaluated 2025-12-15.

Conditions:
Inborn genetic diseases. Identifiers: MedGen C0950123, MeSH D030342.
Epidermolysis bullosa simplex 5B, with muscular dystrophy (EBS5B). Also called: EPIDERMOLYSIS BULLOSA SIMPLEX AND LIMB-GIRDLE MUSCULAR DYSTROPHY; Epidermolysis bullosa simplex with muscular dystrophy. Identifiers: Orphanet 257, MedGen C2931072, MONDO:0009181, OMIM 226670.
Epidermolysis bullosa simplex, Ogna type (EBS5A). Also called: Pidermolysis bullosa simplex 5A, Ogna type; EPIDERMOLYSIS BULLOSA SIMPLEX 5A, OGNA TYPE. Identifiers: Orphanet 79401, MedGen C0432317, MONDO:0007555, OMIM 131950.
Autosomal recessive limb-girdle muscular dystrophy type 2Q (LGMDR17). Also called: MUSCULAR DYSTROPHY, LIMB-GIRDLE, AUTOSOMAL RECESSIVE 17. Identifiers: Orphanet 254361, MedGen C3150989, MONDO:0013390, OMIM 613723.
Epidermolysis bullosa simplex 5C, with pyloric atresia (EBS5C). Also called: Epidermolysis bullosa simplex with pyloric atresia; PLEC1-Related Epidermolysis Bullosa with Pyloric Atresia; PLEC-Related Epidermolysis Bullosa with Pyloric Atresia. Identifiers: Orphanet 158684, MedGen C2677349, MONDO:0012807, OMIM 612138.
Epidermolysis bullosa simplex with nail dystrophy (EBS5D). Identifiers: MedGen C4225309, MONDO:0014661, OMIM 616487.

Allele frequency attached by ClinVar (database versions not stated): ESP Exome Variant Server 0.00018; gnomAD exomes 0.00018 and 0.00019; ExAC 0.00025; gnomAD 0.00029; 1000 Genomes Project 30x 0.00031; TOPMed 0.00037; 1000 Genomes Project 0.00040.
gnomAD v4.1: 316 of 1,587,540 alleles (0.02%); highest among the groups gnomAD compares: African/African-American, 0.086%; no homozygotes.

Submissions (4):

Labcorp Genetics (formerly Invitae), Labcorp
Classification: Uncertain significance for Autosomal recessive limb-girdle muscular dystrophy type 2Q; Epidermolysis bullosa simplex, Ogna type; Epidermolysis bullosa simplex with nail dystrophy; Epidermolysis bullosa simplex 5C, with pyloric atresia; Epidermolysis bullosa simplex 5B, with muscular dystrophy. Last evaluated: 2025-12-15. Review status: criteria provided, single submitter. Criteria: Invitae Variant Classification Sherloc (09022015). Collection method: clinical testing. Allele origin: germline.
Comment: This sequence change replaces arginine, which is basic and polar, with histidine, which is basic and polar, at codon 1703 of the PLEC protein (p.Arg1703His). This variant is present in population databases (rs62640371, gnomAD 0.08%). This variant has not been reported in the literature in individuals affected with PLEC-related conditions. ClinVar contains an entry for this variant (Variation ID: 497001). Experimental studies and prediction algorithms are not available or were not evaluated, and the functional significance of this variant is currently unknown. In summary, the available evidence is currently insufficient to determine the role of this variant in disease. Therefore, it has been classified as a Variant of Uncertain Significance.

Ambry Genetics
Classification: Uncertain significance for Inborn genetic diseases. Last evaluated: 2025-08-05. Review status: criteria provided, single submitter. Criteria: Ambry Variant Classification Scheme 2023. Collection method: clinical testing. Allele origin: germline.

Revvity Omics, Revvity
Classification: Uncertain significance. Last evaluated: 2023-10-16. Review status: criteria provided, single submitter. Criteria: ACMG Guidelines, 2015. Collection method: clinical testing. Allele origin: germline.

Eurofins Ntd Llc (ga)
Classification: Uncertain significance. Last evaluated: 2017-01-25. Review status: criteria provided, single submitter. Criteria: EGL Classification Definitions 2015. Collection method: clinical testing. Allele origin: germline. Observed: 6 variant alleles, 6 heterozygotes.

NM_201384.3(PLEC):c.5027G>A (p.Arg1676His)

Gene: PLEC (plectin; minus strand). Cytogenetic location: 8q24.3.
Variant type: single nucleotide variant.
Coding change: c.5027G>A on transcript NM_201384.3 (MANE Select); coding-DNA position 5027, G replaced by A.
Protein change: p.Arg1676His; replaces arginine 1676 with histidine.
Molecular consequence: missense variant.
Genome position (GRCh38, 1-based): chr8:143,924,902, C>T on the plus strand (G>A on the coding strand, the complement: PLEC is on the minus strand). VCF-style: chr8-143924902-C-T. GRCh37 (hg19) VCF-style: chr8-144999070-C-T.
Other names: c.5108G>A (NM_000445.3); c.5108G>A, p.Arg1703His (NM_000445.5); c.4985G>A, p.Arg1662His (NM_201378.4); c.4961G>A, p.Arg1654His (NM_201379.3); c.5438G>A, p.Arg1813His (NM_201380.4); c.4931G>A, p.Arg1644His (NM_201381.3); c.5027G>A, p.Arg1676His (NM_201382.4); c.5039G>A, p.Arg1680His (NM_201383.3); short protein forms R1644H, R1654H, R1662H, R1676H, R1680H, R1703H, R1813H.
Identifiers: ClinVar variation 497001 (VCV000497001.23), dbSNP rs62640371, ClinGen allele CA4926455.
Genomic context (GRCh38, chr8:143,924,902, plus strand): 5'-TTCTCCAGCTCTTGTTCAGCCAGCTCCCGCTGCCGGACGGCCTGCTCCTCCGCCTTGCCG[C>T]GCCGCCGCGCCTCGCGCTCCGCCTCCTCCTTCTGCTTCTCAGCCTCGGCCTGCGCCAGGC-3'
Protein context (NP_958786.1, residues 1666-1686): KEEAEREARR[Arg1676His]GKAEEQAVRQ